The following is an entry in ClinVar:

NM_022437.3(ABCG8):c.1785C>T (p.Phe595=)

Gene: ABCG8 (ATP binding cassette subfamily G member 8; plus strand). Cytogenetic location: 2p21.
Variant type: single nucleotide variant.
Coding change: c.1785C>T on transcript NM_022437.3 (MANE Select); coding-DNA position 1785, C replaced by T.
Protein change: p.Phe595=; no amino-acid change (phenylalanine 595 retained).
Molecular consequence: synonymous variant.
Genome position (GRCh38, 1-based): chr2:43,877,589, C>T. VCF-style: chr2-43877589-C-T. GRCh37 (hg19) VCF-style: chr2-44104728-C-T.
Other names: p.Phe595=; c.1782C>T, p.Phe594= (NM_001357321.2).
Identifiers: ClinVar variation 336091 (VCV000336091.48), dbSNP rs139677898, ClinGen allele CA1637665.
Genomic context (GRCh38, chr2:43,877,589, plus strand): 5'-CACCTGTGAGTAACGCGGCTGTCTGTCTCCAGTGCCCGCGTGGATTTCCAAAGTGTCCTT[C>T]CTGCGGTGGTGTTTTGAAGGGCTGATGAAGATTCAGTTCAGCAGAAGAACTTATAAAATG-3'
Protein context (NP_071882.1, residues 585-605): TVPAWISKVS[Phe595=]LRWCFEGLMK

ClinVar aggregate classification (germline): Conflicting classifications of pathogenicity. Review status: criteria provided, conflicting classifications (1 of 4 stars). 11 submissions from 11 submitters: Uncertain significance (2); Likely benign (7). 2 of the submissions do not count toward it. Last evaluated 2026-02-02.

Conditions:
Cardiovascular phenotype. Identifiers: MedGen CN230736.
Sitosterolemia 1. Identifiers: MedGen C2749759, MONDO:0020747, OMIM 210250.

Allele frequency attached by ClinVar (database versions not stated): 1000 Genomes Project 0.00020; 1000 Genomes Project 30x 0.00031; ExAC 0.00095; gnomAD exomes 0.00103 and 0.00180; gnomAD 0.00123 and 0.00126; TOPMed 0.00128; ESP Exome Variant Server 0.00131.
gnomAD v4.1: 2,837 of 1,614,098 alleles (0.18%); highest among the groups gnomAD compares: Non-Finnish European, 0.22%; no homozygotes.

Submissions (11):

Labcorp Genetics (formerly Invitae), Labcorp
Classification: Likely benign. Last evaluated: 2026-02-02. Review status: criteria provided, single submitter. Criteria: Invitae Variant Classification Sherloc (09022015). Collection method: clinical testing. Allele origin: germline.

CeGaT Center for Human Genetics Tuebingen
Classification: Likely benign. Last evaluated: 2025-11-01. Review status: criteria provided, single submitter. Criteria: CeGaT Center For Human Genetics Tuebingen Variant Classification Criteria Version 2. Collection method: clinical testing. Allele origin: germline. Affected: yes. Observed: 3 variant alleles.
Comment: ABCG8: BP4, BP7

Mayo Clinic Laboratories, Mayo Clinic
Classification: Likely benign. Last evaluated: 2025-04-15. Review status: criteria provided, single submitter. Criteria: ACMG Guidelines, 2015. Collection method: clinical testing. Allele origin: germline. Observed: 5 variant alleles.
Comment: BP4, BP7

Blueprint Genetics
Classification: Likely benign. Last evaluated: 2024-11-26. Review status: criteria provided, single submitter. Criteria: ACMG Guidelines, 2015. Collection method: clinical testing. Allele origin: germline.

Women's Health and Genetics/Laboratory Corporation of America, LabCorp
Classification: Likely benign. Last evaluated: 2024-07-27. Review status: criteria provided, single submitter. Criteria: LabCorp Variant Classification Summary - May 2015. Collection method: clinical testing. Allele origin: germline.

Ambry Genetics
Classification: Likely benign for Cardiovascular phenotype. Last evaluated: 2023-07-12. Review status: criteria provided, single submitter. Criteria: Ambry Variant Classification Scheme 2023. Collection method: clinical testing. Allele origin: germline.

GeneDx
Classification: Likely benign. Last evaluated: 2021-05-25. Review status: criteria provided, single submitter. Criteria: GeneDx Variant Classification Process June 2021. Collection method: clinical testing. Allele origin: germline. Affected: yes.

Eurofins Ntd Llc (ga)
Classification: Uncertain significance. Last evaluated: 2018-02-27. Review status: criteria provided, single submitter. Criteria: EGL ClinVar v180209 classification definitions. Collection method: clinical testing. Allele origin: germline. Observed: 7 variant alleles, 7 heterozygotes.

Illumina Laboratory Services, Illumina
Classification: Uncertain significance for Sitosterolemia 1. Last evaluated: 2018-01-12. Review status: criteria provided, single submitter. Criteria: ICSL Variant Classification Criteria 13 December 2019. Collection method: clinical testing. Allele origin: germline.

Clinical Genetics, Academic Medical Center
Classification: Benign. Review status: no assertion criteria provided. Collection method: clinical testing. Allele origin: germline. Affected: yes. Study: VKGL Data-share Consensus. Not counted in ClinVar's aggregate classification.

Genome Diagnostics Laboratory, University Medical Center Utrecht
Classification: Likely benign. Review status: no assertion criteria provided. Collection method: clinical testing. Allele origin: germline. Affected: yes. Study: VKGL Data-share Consensus. Not counted in ClinVar's aggregate classification.